The following is an entry in ClinVar:

NM_000722.4(CACNA2D1):c.1576A>G (p.Asn526Asp)

Gene: CACNA2D1 (calcium voltage-gated channel auxiliary subunit alpha2delta 1; minus strand). Cytogenetic location: 7q21.11.
Variant type: single nucleotide variant.
Coding change: c.1576A>G on transcript NM_000722.4 (MANE Select); coding-DNA position 1576, A replaced by G.
Protein change: p.Asn526Asp; replaces asparagine 526 with aspartic acid.
Molecular consequence: missense variant.
Genome position (GRCh38, 1-based): chr7:82,005,437, T>C on the plus strand (A>G on the coding strand, the complement: CACNA2D1 is on the minus strand). VCF-style: chr7-82005437-T-C. GRCh37 (hg19) VCF-style: chr7-81634753-T-C.
Other names: c.1576A>G, p.Asn526Asp (NM_001366867.1); short protein forms N526D.
Identifiers: ClinVar variation 1775593 (VCV001775593.7), dbSNP rs1199084944, ClinGen allele CA367877196.
Genomic context (GRCh38, chr7:82,005,437, plus strand): 5'-TTAATTCTACAAAACACTAATCACTGTAAACAAATTATATACTGACCTTTGGCTGAAGAT[T>C]TGGATGTAATAAAACATAACCATTAGGATCGATTGCAAAGTAATACCCATTGGGGCACAG-3'
Protein context (NP_000713.2, residues 516-536): DPNGYVLLHP[Asn526Asp]LQPKNPKSQE

ClinVar aggregate classification (germline): Uncertain significance. Review status: criteria provided, multiple submitters, no conflicts (2 of 4 stars). 2 submissions from 2 submitters: Uncertain significance (2). Last evaluated 2022-10-27.

Conditions:
Brugada syndrome. Also called: Sudden unexplained nocturnal death syndrome; Sudden unexpected nocturnal death syndrome; Sudden Unexplained Death Syndrome; Sudden Unexplained Nocturnal Death Syndrome (SUNDS). Identifiers: Orphanet 130, MedGen C1142166, MONDO:0015263.
Cardiovascular phenotype. Identifiers: MedGen CN230736.

Allele frequency attached by ClinVar (database versions not stated): gnomAD exomes below 0.00001; TOPMed below 0.00001.
gnomAD v4.1: 4 of 1,592,270 alleles (0.00025%); highest among the groups gnomAD compares: Non-Finnish European, 0.00026%; no homozygotes.

Submissions (2):

Ambry Genetics
Classification: Uncertain significance for Cardiovascular phenotype. Last evaluated: 2022-10-27. Review status: criteria provided, single submitter. Criteria: Ambry Variant Classification Scheme 2023. Collection method: clinical testing. Allele origin: germline.
Comment: The p.N526D variant (also known as c.1576A>G), located in coding exon 18 of the CACNA2D1 gene, results from an A to G substitution at nucleotide position 1576. The asparagine at codon 526 is replaced by aspartic acid, an amino acid with highly similar properties. This amino acid position is conserved. In addition, this alteration is predicted to be tolerated by in silico analysis. Since supporting evidence is limited at this time, the clinical significance of this alteration remains unclear.

Labcorp Genetics (formerly Invitae), Labcorp
Classification: Uncertain significance for Brugada syndrome. Last evaluated: 2022-09-02. Review status: criteria provided, single submitter. Criteria: Invitae Variant Classification Sherloc (09022015). Collection method: clinical testing. Allele origin: germline.
Comment: This sequence change replaces asparagine, which is neutral and polar, with aspartic acid, which is acidic and polar, at codon 526 of the CACNA2D1 protein (p.Asn526Asp). This variant is present in population databases (no rsID available, gnomAD 0.001%). This variant has not been reported in the literature in individuals affected with CACNA2D1-related conditions. Algorithms developed to predict the effect of missense changes on protein structure and function are either unavailable or do not agree on the potential impact of this missense change (SIFT: "Tolerated"; PolyPhen-2: "Not Available"; Align-GVGD: "Class C0"). In summary, the available evidence is currently insufficient to determine the role of this variant in disease. Therefore, it has been classified as a Variant of Uncertain Significance.